The following is an entry in ClinVar:

NM_000035.4(ALDOB):c.324+8C>G

Gene: ALDOB (aldolase, fructose-bisphosphate B; minus strand). Cytogenetic location: 9q31.1.
Variant type: single nucleotide variant.
Coding change: c.324+8C>G on transcript NM_000035.4 (MANE Select); 8 bases into the intron after coding-DNA position 324, C replaced by G.
Molecular consequence: intron variant.
Genome position (GRCh38, 1-based): chr9:101,429,747, G>C on the plus strand (C>G on the coding strand, the complement: ALDOB is on the minus strand). VCF-style: chr9-101429747-G-C. GRCh37 (hg19) VCF-style: chr9-104192029-G-C.
Other names: c.324+8C>G (LRG_1244t1).
Identifiers: ClinVar variation 196201 (VCV000196201.21), dbSNP rs118168553, ClinGen allele CA202189.

ClinVar aggregate classification (germline): Benign. Review status: criteria provided, multiple submitters, no conflicts (2 of 4 stars). 6 submissions from 6 submitters: Benign (5). 1 of the submissions does not count toward it. Last evaluated 2026-01-28.

Conditions:
Hereditary fructosuria. Also called: Fructose intolerance; ALDOB DEFICIENCY; ALDOLASE B DEFICIENCY; FRUCTOSE-1,6-BISPHOSPHATE ALDOLASE B DEFICIENCY; FRUCTOSE-1-PHOSPHATE ALDOLASE DEFICIENCY; FRUCTOSEMIA. Identifiers: Orphanet 469, MedGen C0016751, MONDO:0009249, OMIM 229600, HP:0005973. Disease mechanism: loss of function.

Allele frequency attached by ClinVar (database versions not stated): gnomAD exomes 0.00134 and 0.00312; gnomAD 0.00143 and 0.00103; TOPMed 0.00178; 1000 Genomes Project 30x 0.00437; 1000 Genomes Project 0.00519; ExAC 0.00311; ESP Exome Variant Server 0.00031.
gnomAD v4.1: 2,176 of 1,613,526 alleles (0.13%); highest among the groups gnomAD compares: East Asian, 3.6%; 38 homozygotes.

Submissions (6):

Labcorp Genetics (formerly Invitae), Labcorp
Classification: Benign for Hereditary fructosuria. Last evaluated: 2026-01-28. Review status: criteria provided, single submitter. Criteria: Invitae Variant Classification Sherloc (09022015). Collection method: clinical testing. Allele origin: germline.

Women's Health and Genetics/Laboratory Corporation of America, LabCorp
Classification: Benign. Last evaluated: 2018-11-01. Review status: criteria provided, single submitter. Criteria: LabCorp Variant Classification Summary - May 2015. Collection method: clinical testing. Allele origin: germline.
Comment: Variant summary: ALDOB c.324+8C>G alters a non-conserved nucleotide located close to a canonical splice site and therefore could affect mRNA splicing, leading to a significantly altered protein sequence. 5/5 computational tools predict no significant impact on normal splicing. However, these predictions have yet to be confirmed by functional studies. The variant allele was found at a frequency of 0.0029 in 275448 control chromosomes, predominantly within the East Asian subpopulation at a frequency of 0.035 in the gnomAD database, including 17 homozygotes. The observed variant frequency within East Asian control individuals is approximately 7.8-fold above the estimated maximal expected allele frequency for a pathogenic variant in ALDOB causing Hereditary Fructose Intolerance phenotype (0.0045), strongly suggesting that the variant is a benign polymorphism found primarily in populations of East Asian origin. To our knowledge, no occurrence of c.324+8C>G in individuals affected with Hereditary Fructose Intolerance and no experimental evidence demonstrating its impact on protein function have been reported. Three clinical diagnostic laboratories have submitted clinical-significance assessments for this variant to ClinVar after 2014 without evidence for independent evaluation. All laboratories classified the variant as benign/likely benign. Based on the evidence outlined above, the variant was classified as benign.

Illumina Laboratory Services, Illumina
Classification: Benign for Hereditary fructosuria. Last evaluated: 2018-01-13. Review status: criteria provided, single submitter. Criteria: ICSL Variant Classification Criteria 13 December 2019. Collection method: clinical testing. Allele origin: germline.
Comment: This variant was observed in the ICSL laboratory as part of a predisposition screen in an ostensibly healthy population. It had not been previously curated by ICSL or reported in the Human Gene Mutation Database (HGMD: prior to June 1st, 2018), and was therefore a candidate for classification through an automated scoring system. Utilizing variant allele frequency, disease prevalence and penetrance estimates, and inheritance mode, an automated score was calculated to assess if this variant is too frequent to cause the disease. Based on the score and internal cut-off values, a variant classified as benign is not then subjected to further curation. The score for this variant resulted in a classification of benign for this disease.

GeneDx
Classification: Benign. Last evaluated: 2017-06-21. Review status: criteria provided, single submitter. Criteria: GeneDx Variant Classification (06012015). Collection method: clinical testing. Allele origin: germline. Affected: yes.
Comment: This variant is considered likely benign or benign based on one or more of the following criteria: it is a conservative change, it occurs at a poorly conserved position in the protein, it is predicted to be benign by multiple in silico algorithms, and/or has population frequency not consistent with disease.

Eurofins Ntd Llc (ga)
Classification: Benign. Last evaluated: 2015-02-05. Review status: criteria provided, single submitter. Criteria: EGL Classification Definitions 2015. Collection method: clinical testing. Allele origin: germline. Observed: 1 variant allele, 1 heterozygote.

Natera, Inc.
Classification: Benign for Fructose intolerance. Last evaluated: 2020-09-16. Review status: no assertion criteria provided. Collection method: clinical testing. Allele origin: germline. Not counted in ClinVar's aggregate classification.